The following is an entry in ClinVar:

NM_000540.3(RYR1):c.1829G>A (p.Gly610Asp)

Gene: RYR1 (ryanodine receptor 1; plus strand). Cytogenetic location: 19q13.2.
Variant type: single nucleotide variant.
Coding change: c.1829G>A on transcript NM_000540.3 (MANE Select); coding-DNA position 1829, G replaced by A.
Protein change: p.Gly610Asp; replaces glycine 610 with aspartic acid.
Molecular consequence: missense variant.
Genome position (GRCh38, 1-based): chr19:38,457,534, G>A. VCF-style: chr19-38457534-G-A. GRCh37 (hg19) VCF-style: chr19-38948174-G-A.
Other names: c.1829G>A, p.Gly610Asp (NM_001042723.2); short protein forms G610D.
Identifiers: ClinVar variation 3071640 (VCV003071640.2), dbSNP rs532886284, ClinGen allele CA062482.
Genomic context (GRCh38, chr19:38,457,534, plus strand): 5'-TAACCTCTGACCTTGACCTCTAGGTCCTGGACGTGCTATGCTCCCTGTGTGTGTGTAATG[G>A]TGTGGCTGTACGCTCCAACCAAGATCTTATTACTGAGAACTTGCTGCCTGGCCGTGAGCT-3'
Protein context (NP_000531.2, residues 600-620): DVLCSLCVCN[Gly610Asp]VAVRSNQDLI

ClinVar aggregate classification (germline): Uncertain significance (1 of 4 stars; one submission).

Conditions:
Malignant hyperthermia, susceptibility to, 1 (MHS1). Also called: Anesthesia related hyperthermia; Malignant hyperpyrexia; Fulminating hyperpyrexia; Pharmacogenic myopathy; RYR1-Related Malignant Hyperthermia Susceptibility; Malignant hyperthermia suceptibility 1. Identifiers: Orphanet 423, MedGen C2930980, MONDO:0007783, OMIM 145600.

Allele frequency attached by ClinVar (database versions not stated): gnomAD exomes below 0.00001; ExAC 0.00001; gnomAD 0.00001; 1000 Genomes Project 30x 0.00016; 1000 Genomes Project 0.00020.
gnomAD v4.1: 6 of 1,614,094 alleles (0.00037%); highest among the groups gnomAD compares: Admixed American, 0.0033%; no homozygotes.

Submission:

All of Us Research Program, National Institutes of Health
Classification: Uncertain significance for Malignant hyperthermia, susceptibility to, 1. Last evaluated: 2024-04-10. Review status: criteria provided, single submitter. Criteria: ACMG Guidelines, 2015. Collection method: clinical testing. Allele origin: germline. Inheritance: Autosomal dominant inheritance. Observed: 3 variant alleles, 3 heterozygotes.
Comment: This missense variant replaces glycine with aspartic acid at codon 610 of the RYR1 protein. Computational prediction suggests that this variant may have deleterious impact on protein structure and function (internally defined REVEL score threshold >= 0.7, PMID: 27666373). To our knowledge, functional studies have not been reported for this variant. This variant has not been reported in individuals affected with RYR1-related disorders in the literature. This variant has been identified in 2/251496 chromosomes in the general population by the Genome Aggregation Database (gnomAD). The available evidence is insufficient to determine the role of this variant in disease conclusively. Therefore, this variant is classified as a Variant of Uncertain Significance.

This study involves interpretation of variants in research participants for the purpose of population health screening. Participant phenotype was not available at the time of variant classification. Additional details can be found in publication PMID: 35346344, PMCID: PMC8962531